The following is an entry in ClinVar:

ClinVar aggregate classification (germline): Likely benign. Review status: criteria provided, multiple submitters, no conflicts (2 of 4 stars). 3 submissions from 3 submitters: Likely benign (2). 1 of the submissions does not count toward it. Last evaluated 2024-08-19.

Conditions:
AIMP1-related disorder. Also called: AIMP1-related condition.

Allele frequency attached by ClinVar (database versions not stated): gnomAD 0.00001; ExAC 0.00004; ESP Exome Variant Server 0.00015.
gnomAD v4.1: 26 of 1,613,870 alleles (0.0016%); highest among the groups gnomAD compares: Non-Finnish European, 0.0022%; no homozygotes.

Submissions (3):

Labcorp Genetics (formerly Invitae), Labcorp
Classification: Likely benign. Last evaluated: 2024-08-19. Review status: criteria provided, single submitter. Criteria: Invitae Variant Classification Sherloc (09022015). Collection method: clinical testing. Allele origin: germline.

Blueprint Genetics
Classification: Likely benign. Last evaluated: 2024-08-16. Review status: criteria provided, single submitter. Criteria: ACMG Guidelines, 2015. Collection method: clinical testing. Allele origin: germline.

PreventionGenetics, part of Exact Sciences
Classification: Likely benign for AIMP1-related condition. Last evaluated: 2021-05-26. Review status: no assertion criteria provided. Collection method: clinical testing. Allele origin: germline. Not counted in ClinVar's aggregate classification.
Comment: This variant is classified as likely benign based on ACMG/AMP sequence variant interpretation guidelines (Richards et al. 2015 PMID: 25741868, with internal and published modifications).

NM_001142416.2(AIMP1):c.636C>T (p.Asn212=)

Gene: AIMP1 (aminoacyl tRNA synthetase complex interacting multifunctional protein 1; plus strand). Cytogenetic location: 4q24.
Variant type: single nucleotide variant.
Coding change: c.636C>T on transcript NM_001142416.2 (MANE Select); coding-DNA position 636, C replaced by T.
Protein change: p.Asn212=; no amino-acid change (asparagine 212 retained).
Molecular consequence: synonymous variant.
Genome position (GRCh38, 1-based): chr4:106,336,901, C>T. VCF-style: chr4-106336901-C-T. GRCh37 (hg19) VCF-style: chr4-107258058-C-T.
Other names: c.636C>T, p.Asn212= (NM_001142415.2, NM_004757.4).
Identifiers: ClinVar variation 3032665 (VCV003032665.5), dbSNP rs143586104, ClinGen allele CA3035776.